The following is an entry in ClinVar:

ClinVar aggregate classification (germline): Uncertain significance. Review status: criteria provided, multiple submitters, no conflicts (2 of 4 stars). 2 submissions from 2 submitters: Uncertain significance (2). Last evaluated 2023-02-09.

Conditions:
Autosomal recessive limb-girdle muscular dystrophy type 2J (LGMDR10). Also called: Limb-girdle muscular dystrophy, type 2J; MUSCULAR DYSTROPHY, LIMB-GIRDLE, AUTOSOMAL RECESSIVE 10. Identifiers: Orphanet 140922, MedGen C1837342, MONDO:0012127, OMIM 608807.
Dilated cardiomyopathy 1G (CMD1G). Identifiers: Orphanet 154, MedGen C1858763, MONDO:0011400, OMIM 604145.
Cardiovascular phenotype. Identifiers: MedGen CN230736.

Allele frequency attached by ClinVar (database versions not stated): TOPMed below 0.00001.

Submissions (2):

Labcorp Genetics (formerly Invitae), Labcorp
Classification: Uncertain significance for Dilated cardiomyopathy 1G; Autosomal recessive limb-girdle muscular dystrophy type 2J. Last evaluated: 2023-02-09. Review status: criteria provided, single submitter. Criteria: Invitae Variant Classification Sherloc (09022015). Collection method: clinical testing. Allele origin: germline.
Comment: This sequence change replaces tyrosine, which is neutral and polar, with serine, which is neutral and polar, at codon 34644 of the TTN protein (p.Tyr34644Ser). This variant is not present in population databases (gnomAD no frequency). This variant has not been reported in the literature in individuals affected with TTN-related conditions. ClinVar contains an entry for this variant (Variation ID: 1760084). Experimental studies and prediction algorithms are not available or were not evaluated, and the functional significance of this variant is currently unknown. In summary, the available evidence is currently insufficient to determine the role of this variant in disease. Therefore, it has been classified as a Variant of Uncertain Significance. This variant is located in the M band of TTN (PMID: 25589632). Variants in this region may be relevant for neuromuscular disorders, but have not been definitively shown to cause cardiomyopathy (PMID: 23975875).

Ambry Genetics
Classification: Uncertain significance for Cardiovascular phenotype. Last evaluated: 2020-03-11. Review status: criteria provided, single submitter. Criteria: Ambry Variant Classification Scheme 2023. Collection method: clinical testing. Allele origin: germline.
Comment: The p.Y25579S variant (also known as c.76736A>C), located in coding exon 185 of the TTN gene, results from an A to C substitution at nucleotide position 76736. The tyrosine at codon 25579 is replaced by serine, an amino acid with dissimilar properties. This amino acid position is not well conserved in available vertebrate species, and serine is the reference amino acid in other vertebrate species. In addition, the in silico prediction for this alteration is inconclusive. Since supporting evidence is limited at this time, the clinical significance of this alteration remains unclear.

Literature cited by the submitters: PubMed 25589632 (cited by Labcorp Genetics (formerly Invitae), Labcorp); PubMed 23975875 (cited by Labcorp Genetics (formerly Invitae), Labcorp).

NM_001267550.2(TTN):c.103931A>C (p.Tyr34644Ser)

Genes: TTN-AS1 (TTN antisense RNA 1; plus strand), TTN (titin; minus strand). Cytogenetic location: 2q31.2.
Variant type: single nucleotide variant.
Coding change: c.103931A>C on transcript NM_001267550.2 (MANE Select); coding-DNA position 103931, A replaced by C.
Protein change: p.Tyr34644Ser; replaces tyrosine 34644 with serine.
Molecular consequence: missense variant.
Genome position (GRCh38, 1-based): chr2:178,532,684, T>G on the plus strand (A>C on the coding strand, the complement: TTN is on the minus strand). VCF-style: chr2-178532684-T-G. GRCh37 (hg19) VCF-style: chr2-179397411-T-G.
Other names: c.77111A>C, p.Tyr25704Ser (NM_133432.3); c.77312A>C, p.Tyr25771Ser (NM_133437.4); c.99008A>C, p.Tyr33003Ser (NM_001256850.1); c.76736A>C, p.Tyr25579Ser (NM_003319.4); c.96227A>C, p.Tyr32076Ser (NM_133378.4); short protein forms Y32076S, Y25704S, Y25771S, Y33003S, Y34644S, Y25579S.
Identifiers: ClinVar variation 1760084 (VCV001760084.5), dbSNP rs1689707362, ClinGen allele CA349412914.